The following is an entry in ClinVar:

ClinVar aggregate classification (germline): Uncertain significance (1 of 4 stars; one submission).

Conditions:
HSPA1L-related disorder. Also called: HSPA1L-related condition.

Allele frequency attached by ClinVar (database versions not stated): gnomAD exomes below 0.00001.

Submission:

PreventionGenetics, part of Exact Sciences
Classification: Uncertain significance for HSPA1L-related condition. Last evaluated: 2023-08-18. Review status: criteria provided, single submitter. Criteria: ACMG Guidelines, 2015. Collection method: clinical testing. Allele origin: germline.
Comment: The HSPA1L c.560T>G variant is predicted to result in premature protein termination (p.Leu187*). To our knowledge, this variant has not been reported in the literature or in a large population database, indicating this variant is rare. Loss of function is not an established mechanism of HSPA1L-related disease. Although we suspect that this variant may be pathogenic, at this time, the clinical significance of this variant is uncertain due to the absence of conclusive functional and genetic evidence.

NM_005527.4(HSPA1L):c.560T>G (p.Leu187Ter)

Gene: HSPA1L (heat shock protein family A (Hsp70) member 1 like; minus strand). Cytogenetic location: 6p21.33.
Variant type: single nucleotide variant.
Coding change: c.560T>G on transcript NM_005527.4 (MANE Select); coding-DNA position 560, T replaced by G.
Protein change: p.Leu187Ter; replaces leucine 187 with a stop codon.
Molecular consequence: nonsense.
Genome position (GRCh38, 1-based): chr6:31,811,413, A>C on the plus strand (T>G on the coding strand, the complement: HSPA1L is on the minus strand). VCF-style: chr6-31811413-A-C. GRCh37 (hg19) VCF-style: chr6-31779190-A-C.
Other names: short protein forms L187*.
Identifiers: ClinVar variation 2632432 (VCV002632432.1), dbSNP rs2481037161, ClinGen allele CA363389470.